The following is an entry in ClinVar:

NM_153704.6(TMEM67):c.870-4A>G

Gene: TMEM67 (transmembrane protein 67; plus strand). Cytogenetic location: 8q22.1.
Variant type: single nucleotide variant.
Coding change: c.870-4A>G on transcript NM_153704.6 (MANE Select); 4 bases into the intron before coding-DNA position 870, A replaced by G.
Molecular consequence: intron variant.
Genome position (GRCh38, 1-based): chr8:93,780,870, A>G. VCF-style: chr8-93780870-A-G. GRCh37 (hg19) VCF-style: chr8-94793098-A-G.
Other names: c.627-4A>G (NM_001142301.1).
Identifiers: ClinVar variation 4986546 (VCV004986546.1).
Genomic context (GRCh38, chr8:93,780,870, plus strand): 5'-TCACAAATACTAATAATAAGAAATATTTATTCTCCATTATTAAAACAGTTGTAACTGTTT[A>G]TAGGAGACAGAATCTTCCTTGGCTGTTTTATGGAGACCAGTTAGGATTAGCACCTCAAGT-3'

ClinVar aggregate classification (germline): Likely benign (1 of 4 stars; one submission).

Conditions:
TMEM67-related disorder. Also called: TMEM67-related condition; TMEM67-related disorders. Identifiers: MedGen CN239423.

gnomAD v4.1: 1 of 1,607,024 alleles (0.000062%); highest among the groups gnomAD compares: Non-Finnish European, 0.000085%; no homozygotes.

Submission:

PreventionGenetics, part of Exact Sciences
Classification: Likely benign for TMEM67-related condition. Last evaluated: 2025-10-29. Review status: criteria provided, single submitter. Criteria: ACMG Guidelines, 2015. Collection method: clinical testing. Allele origin: germline.
Comment: This variant is classified as likely benign based on ACMG/AMP sequence variant interpretation guidelines (Richards et al. 2015 PMID: 25741868, with internal and published modifications).